The following is an entry in ClinVar:

ClinVar aggregate classification (germline): Uncertain significance (1 of 4 stars; one submission).

Submission:

CeGaT Center for Human Genetics Tuebingen
Classification: Uncertain significance. Last evaluated: 2022-05-01. Review status: criteria provided, single submitter. Criteria: CeGaT Center For Human Genetics Tuebingen Variant Classification Criteria Version 2. Collection method: clinical testing. Allele origin: germline. Affected: yes. Observed: 1 variant allele.
Comment: POLR2A: PM2, PP2

NM_000937.5(POLR2A):c.4777T>C (p.Tyr1593His)

Gene: POLR2A (RNA polymerase II subunit A; plus strand). Cytogenetic location: 17p13.1.
Variant type: single nucleotide variant.
Coding change: c.4777T>C on transcript NM_000937.5 (MANE Select); coding-DNA position 4777, T replaced by C.
Protein change: p.Tyr1593His; replaces tyrosine 1593 with histidine.
Molecular consequence: missense variant.
Genome position (GRCh38, 1-based): chr17:7,513,041, T>C. VCF-style: chr17-7513041-T-C. GRCh37 (hg19) VCF-style: chr17-7416360-T-C.
Other names: short protein forms Y1593H.
Identifiers: ClinVar variation 1694822 (VCV001694822.31), dbSNP rs2150890646, ClinGen allele CA397832657.
Genomic context (GRCh38, chr17:7,513,041, plus strand): 5'-TGTCCATTGCTCATCTCCTTTGTTGGCTGCTTCCCCACAGGTGGTGCCATGTCTCCCAGC[T>C]ACTCGCCAACGTCACCTGCCTACGAGCCCCGCTCTCCTGGGGGCTACACACCCCAGAGTC-3'
Protein context (NP_000928.1, residues 1583-1603): PSPGGAMSPS[Tyr1593His]SPTSPAYEPR